The following is an entry in ClinVar:

ClinVar aggregate classification (germline): Uncertain significance. Review status: criteria provided, multiple submitters, no conflicts (2 of 4 stars). 3 submissions from 3 submitters: Uncertain significance (3). Last evaluated 2024-05-21.

Conditions:
Juvenile polyposis syndrome (JPS). Identifiers: Orphanet 2929, MedGen C0345893, MONDO:0017380, OMIM 174900.
Hereditary cancer-predisposing syndrome. Also called: Tumor predisposition; Neoplastic Syndromes, Hereditary; Hereditary Cancer Syndrome; Hereditary neoplastic syndrome. Identifiers: Orphanet 140162, MedGen C0027672, MeSH D009386, MONDO:0015356.

Allele frequency attached by ClinVar (database versions not stated): gnomAD exomes below 0.00001; ExAC 0.00001.

Submissions (3):

Ambry Genetics
Classification: Uncertain significance for Hereditary cancer-predisposing syndrome. Last evaluated: 2024-05-21. Review status: criteria provided, single submitter. Criteria: Ambry Variant Classification Scheme 2023. Collection method: clinical testing. Allele origin: germline.
Comment: The p.Y7H variant (also known as c.19T>C), located in coding exon 1 of the BMPR1A gene, results from a T to C substitution at nucleotide position 19. The tyrosine at codon 7 is replaced by histidine, an amino acid with similar properties. This amino acid position is well conserved in available vertebrate species. In addition, this alteration is predicted to be tolerated by in silico analysis. Based on the available evidence, the clinical significance of this variant remains unclear.

Color Diagnostics, LLC DBA Color Health
Classification: Uncertain significance for Hereditary cancer-predisposing syndrome. Last evaluated: 2022-07-08. Review status: criteria provided, single submitter. Criteria: ACMG Guidelines, 2015. Collection method: clinical testing. Allele origin: germline.
Comment: This missense variant replaces tyrosine with histidine at codon 7 of the BMPR1A protein. Computational prediction suggests that this variant may not impact protein structure and function (internally defined REVEL score threshold <= 0.5, PMID: 27666373). To our knowledge, functional studies have not been reported for this variant. This variant has not been reported in individuals affected with hereditary cancer in the literature. This variant has been identified in 1/251346 chromosomes in the general population by the Genome Aggregation Database (gnomAD). The available evidence is insufficient to determine the role of this variant in disease conclusively. Therefore, this variant is classified as a Variant of Uncertain Significance.

Labcorp Genetics (formerly Invitae), Labcorp
Classification: Uncertain significance for Juvenile polyposis syndrome. Last evaluated: 2020-11-06. Review status: criteria provided, single submitter. Criteria: Invitae Variant Classification Sherloc (09022015). Collection method: clinical testing. Allele origin: germline.
Comment: Algorithms developed to predict the effect of missense changes on protein structure and function (SIFT, PolyPhen-2, Align-GVGD) all suggest that this variant is likely to be tolerated, but these predictions have not been confirmed by published functional studies and their clinical significance is uncertain. In summary, the available evidence is currently insufficient to determine the role of this variant in disease. Therefore, it has been classified as a Variant of Uncertain Significance. This variant has not been reported in the literature in individuals with BMPR1A-related disease. ClinVar contains an entry for this variant (Variation ID: 490987). The frequency data for this variant in the population databases is considered unreliable, as metrics indicate poor data quality at this position in the ExAC database. This sequence change replaces tyrosine with histidine at codon 7 of the BMPR1A protein (p.Tyr7His). The tyrosine residue is weakly conserved and there is a moderate physicochemical difference between tyrosine and histidine.

NM_004329.3(BMPR1A):c.19T>C (p.Tyr7His)

Gene: BMPR1A (bone morphogenetic protein receptor type 1A; plus strand). Cytogenetic location: 10q23.2.
Variant type: single nucleotide variant.
Coding change: c.19T>C on transcript NM_004329.3 (MANE Select); coding-DNA position 19, T replaced by C.
Protein change: p.Tyr7His; replaces tyrosine 7 with histidine.
Molecular consequence: missense variant.
Genome position (GRCh38, 1-based): chr10:86,876,037, T>C. VCF-style: chr10-86876037-T-C. GRCh37 (hg19) VCF-style: chr10-88635794-T-C.
Other names: short protein forms Y7H.
Identifiers: ClinVar variation 490987 (VCV000490987.17), dbSNP rs762926643, ClinGen allele CA5585405.